The following is an entry in ClinVar:

ClinVar aggregate classification (germline): Conflicting classifications of pathogenicity. Review status: criteria provided, conflicting classifications (1 of 4 stars). 8 submissions from 8 submitters: Uncertain significance (5); Benign (1); Likely benign (2). Last evaluated 2026-07-21.

Conditions:
Heart defect - tongue hamartoma - polysyndactyly syndrome. Also called: Congenital heart defects, hamartomas of tongue, and polysyndactyly. Identifiers: Orphanet 1338, MedGen C1857587, MONDO:0009008, OMIM 217085.
Bardet-Biedl syndrome 15 (BBS15). Identifiers: Orphanet 110, MedGen C3150127, MONDO:0014443, OMIM 615992.
Bardet-Biedl syndrome 1 (BBS1). Identifiers: MedGen C2936862, MONDO:0008854, OMIM 209900. Disease mechanism: loss of function.
Bardet-Biedl syndrome (BBS). Identifiers: Orphanet 110, MedGen C0752166, MONDO:0015229.
WDPCP-related disorder. Also called: WDPCP-related condition.

Allele frequency attached by ClinVar (database versions not stated): gnomAD exomes 0.00011 and 0.00006; ExAC 0.00013; 1000 Genomes Project 30x 0.00031; 1000 Genomes Project 0.00040; gnomAD 0.00001 and 0.00007; TOPMed 0.00004.
gnomAD v4.1: 103 of 1,612,658 alleles (0.0064%); highest among the groups gnomAD compares: South Asian, 0.091%; no homozygotes.

Submissions (8):

PreventionGenetics, part of Exact Sciences
Classification: Uncertain significance for WDPCP-related condition. Last evaluated: 2026-07-21. Review status: criteria provided, single submitter. Criteria: ACMG Guidelines, 2015. Collection method: clinical testing. Allele origin: germline.
Comment: The WDPCP c.1448G>A variant is predicted to result in the amino acid substitution p.Arg483Gln. To our knowledge, this variant has not been reported in the literature. This variant is reported in 0.072% of alleles in individuals of South Asian descent in gnomAD. Although we suspect that this variant may be benign, the clinical significance of this variant is classified as uncertain at this time due to insufficient functional and genetic evidence.

Fulgent Genetics
Classification: Uncertain significance for Heart defect - tongue hamartoma - polysyndactyly syndrome; Bardet-Biedl syndrome 15. Last evaluated: 2024-04-20. Review status: criteria provided, single submitter. Criteria: ACMG Guidelines, 2015. Collection method: clinical testing. Allele origin: germline.

Blueprint Genetics
Classification: Likely benign. Last evaluated: 2023-05-08. Review status: criteria provided, single submitter. Criteria: ACMG Guidelines, 2015. Collection method: clinical testing. Allele origin: germline.

Labcorp Genetics (formerly Invitae), Labcorp
Classification: Uncertain significance for Bardet-Biedl syndrome. Last evaluated: 2022-08-02. Review status: criteria provided, single submitter. Criteria: Invitae Variant Classification Sherloc (09022015). Collection method: clinical testing. Allele origin: germline.
Comment: This sequence change replaces arginine, which is basic and polar, with glutamine, which is neutral and polar, at codon 483 of the WDPCP protein (p.Arg483Gln). This variant is present in population databases (rs544657165, gnomAD 0.07%). This variant has not been reported in the literature in individuals affected with WDPCP-related conditions. ClinVar contains an entry for this variant (Variation ID: 522195). Algorithms developed to predict the effect of missense changes on protein structure and function output the following: SIFT: "Tolerated"; PolyPhen-2: "Benign"; Align-GVGD: "Class C0". The glutamine amino acid residue is found in multiple mammalian species, which suggests that this missense change does not adversely affect protein function. In summary, the available evidence is currently insufficient to determine the role of this variant in disease. Therefore, it has been classified as a Variant of Uncertain Significance.

Illumina Laboratory Services, Illumina
Classification: Uncertain significance for Bardet-Biedl syndrome 15. Last evaluated: 2018-01-13. Review status: criteria provided, single submitter. Criteria: ICSL Variant Classification Criteria 13 December 2019. Collection method: clinical testing. Allele origin: germline.

Clinical Genetics DNA and cytogenetics Diagnostics Lab, Erasmus MC, Erasmus Medical Center
Classification: Likely benign for Bardet-Biedl syndrome 1. Last evaluated: 2015-12-10. Review status: criteria provided, single submitter. Criteria: ACGS Guidelines, 2013. Collection method: clinical testing. Allele origin: germline. Affected: yes. Study: VKGL Data-share Consensus.

Genome Diagnostics Laboratory, University Medical Center Utrecht
Classification: Benign for Bardet-Biedl syndrome 1. Last evaluated: 2015-08-06. Review status: criteria provided, single submitter. Criteria: ACGS Guidelines, 2013. Collection method: clinical testing. Allele origin: germline. Affected: yes. Study: VKGL Data-share Consensus.

Molecular Endocrinology Laboratory, Christian Medical College
Classification: Uncertain significance for Bardet-Biedl syndrome 15. Review status: criteria provided, single submitter. Criteria: ACMG Guidelines, 2015. Collection method: clinical testing. Allele origin: germline. Affected: yes.

NM_015910.7(WDPCP):c.1448G>A (p.Arg483Gln)

Gene: WDPCP (WD repeat containing planar cell polarity effector; minus strand). Cytogenetic location: 2p15.
Variant type: single nucleotide variant.
Coding change: c.1448G>A on transcript NM_015910.7 (MANE Select); coding-DNA position 1448, G replaced by A.
Protein change: p.Arg483Gln; replaces arginine 483 with glutamine.
Molecular consequence: missense variant. On other transcripts: non-coding transcript variant (3).
Genome position (GRCh38, 1-based): chr2:63,382,082, C>T on the plus strand (G>A on the coding strand, the complement: WDPCP is on the minus strand). VCF-style: chr2-63382082-C-T. GRCh37 (hg19) VCF-style: chr2-63609217-C-T.
Other names: c.971G>A, p.Arg324Gln (NM_001042692.3); c.1376G>A, p.Arg459Gln (NM_001354044.2); c.1448G>A, p.Arg483Gln (NM_001354045.2); short protein forms R483Q, R324Q, R459Q.
Identifiers: ClinVar variation 522195 (VCV000522195.18), dbSNP rs544657165, ClinGen allele CA1682202.
Genomic context (GRCh38, chr2:63,382,082, plus strand): 5'-TCATAGATCTCATCACAGTGAATGTACTGGAAGATGATGTCTATCAGGCCCAGCTGTCCT[C>T]GAGTGAAGACGCCTATCACAAAACATGGAAAACCAGGTGAATCTTTTAAAATAAAATAGA-3'
Protein context (NP_056994.3, residues 473-493): VLLFKLGVFT[Arg483Gln]GQLGLIDIIF